The following is an entry in ClinVar:

NM_001267550.2(TTN):c.95873G>A (p.Arg31958Gln)

Genes: TTN (titin; minus strand), TTN-AS1 (TTN antisense RNA 1; plus strand). Cytogenetic location: 2q31.2.
Variant type: single nucleotide variant.
Coding change: c.95873G>A on transcript NM_001267550.2 (MANE Select); coding-DNA position 95873, G replaced by A.
Protein change: p.Arg31958Gln; replaces arginine 31958 with glutamine.
Molecular consequence: missense variant.
Genome position (GRCh38, 1-based): chr2:178,544,356, C>T on the plus strand (G>A on the coding strand, the complement: TTN is on the minus strand). VCF-style: chr2-178544356-C-T. GRCh37 (hg19) VCF-style: chr2-179409083-C-T.
Other names: p.R30317Q:CGA>CAA; c.90950G>A, p.Arg30317Gln (NM_001256850.1); c.68678G>A, p.Arg22893Gln (NM_003319.4); c.88169G>A, p.Arg29390Gln (NM_133378.4); c.69053G>A, p.Arg23018Gln (NM_133432.3); c.69254G>A, p.Arg23085Gln (NM_133437.4); short protein forms R30317Q, R31958Q, R29390Q, R22893Q, R23018Q, R23085Q.
Identifiers: ClinVar variation 203017 (VCV000203017.16), dbSNP rs763270971, ClinGen allele CA310989.

ClinVar aggregate classification (germline): Conflicting classifications of pathogenicity. Review status: criteria provided, conflicting classifications (1 of 4 stars). 12 submissions from 8 submitters: Uncertain significance (8); Likely benign (4). Last evaluated 2025-11-03.

Conditions:
TTN-related disorder. Also called: TTN-related condition; TTN-related disease; TTN-related disorders.
Dilated cardiomyopathy 1G (CMD1G). Identifiers: Orphanet 154, MedGen C1858763, MONDO:0011400, OMIM 604145.
Autosomal recessive limb-girdle muscular dystrophy type 2J (LGMDR10). Also called: Limb-girdle muscular dystrophy, type 2J; MUSCULAR DYSTROPHY, LIMB-GIRDLE, AUTOSOMAL RECESSIVE 10. Identifiers: Orphanet 140922, MedGen C1837342, MONDO:0012127, OMIM 608807.
Early-onset myopathy with fatal cardiomyopathy (CMYO5). Also called: Salih Myopathy; CONGENITAL MYOPATHY 5 WITH CARDIOMYOPATHY. Identifiers: Orphanet 289377, MedGen C2673677, MONDO:0012714, OMIM 611705. Disease mechanism: loss of function.
Tibial muscular dystrophy (TMD). Also called: Tibial muscular dystrophy, tardive; Udd Distal Myopathy – Tibial Muscular Dystrophy; UDD MYOPATHY. Identifiers: Orphanet 609, MedGen C1838244, MONDO:0010870, OMIM 600334.
Myopathy, myofibrillar, 9, with early respiratory failure (MFM9). Also called: Myopathy, distal, with early respiratory failure, autosomal dominant; MYOPATHY, PROXIMAL, WITH EARLY RESPIRATORY MUSCLE INVOLVEMENT; Hereditary myopathy with early respiratory failure; EDSTROM MYOPATHY. Identifiers: Orphanet 178464, Orphanet 34521, MedGen C1863599, MONDO:0011362, OMIM 603689.
Hypertrophic cardiomyopathy 9. Also called: Familial hypertrophic cardiomyopathy 9. Identifiers: MedGen C1861065, MONDO:0013412, OMIM 613765.

Allele frequency attached by ClinVar (database versions not stated): gnomAD 0.00002; TOPMed 0.00003; gnomAD exomes 0.00004 and 0.00010; ExAC 0.00005.

Submissions (12):

PreventionGenetics, part of Exact Sciences
Classification: Uncertain significance for TTN-related condition. Last evaluated: 2025-11-03. Review status: criteria provided, single submitter. Criteria: ACMG Guidelines, 2015. Collection method: clinical testing. Allele origin: germline.
Comment: The TTN c.95873G>A variant is predicted to result in the amino acid substitution p.Arg31958Gln. To our knowledge, this variant has not been reported in the literature. This variant is reported in 0.0078% of alleles in individuals of European (Non-Finnish) descent in gnomAD. At this time, the clinical significance of this variant is uncertain due to the absence of conclusive functional and genetic evidence.

Blueprint Genetics
Classification: Likely benign. Last evaluated: 2024-06-25. Review status: criteria provided, single submitter. Criteria: ACMG Guidelines, 2015. Collection method: clinical testing. Allele origin: germline.

Department of Pathology and Laboratory Medicine, Sinai Health System
Classification: Uncertain significance for Tibial muscular dystrophy; Myopathy, myofibrillar, 9, with early respiratory failure; Dilated cardiomyopathy 1G; Autosomal recessive limb-girdle muscular dystrophy type 2J; Early-onset myopathy with fatal cardiomyopathy; Hypertrophic cardiomyopathy 9. Last evaluated: 2023-03-08. Review status: criteria provided, single submitter. Criteria: ACMG Guidelines, 2015. Collection method: research. Allele origin: germline.

Revvity Omics, Revvity
Classification: Uncertain significance. Last evaluated: 2022-01-25. Review status: criteria provided, single submitter. Criteria: ACMG Guidelines, 2015. Collection method: clinical testing. Allele origin: germline.

GeneDx
Classification: Likely benign. Last evaluated: 2021-01-22. Review status: criteria provided, single submitter. Criteria: GeneDx Variant Classification Process June 2021. Collection method: clinical testing. Allele origin: germline. Affected: yes.

Fulgent Genetics
Classification: Uncertain significance for Tibial muscular dystrophy; Myopathy, myofibrillar, 9, with early respiratory failure; Dilated cardiomyopathy 1G; Autosomal recessive limb-girdle muscular dystrophy type 2J; Early-onset myopathy with fatal cardiomyopathy; Hypertrophic cardiomyopathy 9. Last evaluated: 2018-10-31. Review status: criteria provided, single submitter. Criteria: ACMG Guidelines, 2015. Collection method: clinical testing. Allele origin: unknown.

Illumina Laboratory Services, Illumina
Classification: Uncertain significance for Autosomal recessive limb-girdle muscular dystrophy type 2J. Last evaluated: 2018-01-13. Review status: criteria provided, single submitter. Criteria: ICSL Variant Classification Criteria 13 December 2019. Collection method: clinical testing. Allele origin: germline.

Illumina Laboratory Services, Illumina
Classification: Uncertain significance for Dilated cardiomyopathy 1G. Last evaluated: 2018-01-13. Review status: criteria provided, single submitter. Criteria: ICSL Variant Classification Criteria 13 December 2019. Collection method: clinical testing. Allele origin: germline.

Illumina Laboratory Services, Illumina
Classification: Uncertain significance for Early-onset myopathy with fatal cardiomyopathy. Last evaluated: 2018-01-13. Review status: criteria provided, single submitter. Criteria: ICSL Variant Classification Criteria 13 December 2019. Collection method: clinical testing. Allele origin: germline.

Illumina Laboratory Services, Illumina
Classification: Likely benign for Tibial muscular dystrophy. Last evaluated: 2018-01-13. Review status: criteria provided, single submitter. Criteria: ICSL Variant Classification Criteria 13 December 2019. Collection method: clinical testing. Allele origin: germline.
Comment: This variant was observed in the ICSL laboratory as part of a predisposition screen in an ostensibly healthy population. It had not been previously curated by ICSL or reported in the Human Gene Mutation Database (HGMD: prior to June 1st, 2018), and was therefore a candidate for classification through an automated scoring system. Utilizing variant allele frequency, disease prevalence and penetrance estimates, and inheritance mode, an automated score was calculated to assess if this variant is too frequent to cause the disease. Based on the score and internal cut-off values, a variant classified as likely benign is not then subjected to further curation. The score for this variant resulted in a classification of likely benign for this disease.

Illumina Laboratory Services, Illumina
Classification: Likely benign for Myopathy, myofibrillar, 9, with early respiratory failure. Last evaluated: 2018-01-13. Review status: criteria provided, single submitter. Criteria: ICSL Variant Classification Criteria 13 December 2019. Collection method: clinical testing. Allele origin: germline.
Comment: the same text as in the submission from Illumina Laboratory Services, Illumina above.

Labcorp Genetics (formerly Invitae), Labcorp
Classification: Uncertain significance for Dilated cardiomyopathy 1G; Autosomal recessive limb-girdle muscular dystrophy type 2J. Last evaluated: 2016-01-17. Review status: criteria provided, single submitter. Criteria: Invitae Variant Classification Sherloc (09022015). Collection method: clinical testing. Allele origin: germline.